The following is an entry in ClinVar:

NM_177972.3(TUB):c.503C>T (p.Thr168Met)

Genes: RIC3 (RIC3 acetylcholine receptor chaperone; minus strand), TUB (TUB bipartite transcription factor; plus strand). Cytogenetic location: 11p15.4.
Variant type: single nucleotide variant.
Coding change: c.503C>T on transcript NM_177972.3 (MANE Select); coding-DNA position 503, C replaced by T.
Protein change: p.Thr168Met; replaces threonine 168 with methionine.
Molecular consequence: missense variant.
Genome position (GRCh38, 1-based): chr11:8,095,603, C>T. VCF-style: chr11-8095603-C-T. GRCh37 (hg19) VCF-style: chr11-8117150-C-T.
Other names: c.668C>T (NM_003320.4); c.668C>T, p.Thr223Met (NM_003320.5); short protein forms T223M, T168M.
Identifiers: ClinVar variation 1486107 (VCV001486107.4), dbSNP rs776903038, ClinGen allele CA5871114.

ClinVar aggregate classification (germline): Uncertain significance. Review status: criteria provided, single submitter (1 of 4 stars). 2 submissions from 2 submitters: Uncertain significance (1). 1 of the submissions does not count toward it. Last evaluated 2022-05-31.

Conditions:
TUB-related disorder. Also called: TUB-related condition.

Allele frequency attached by ClinVar (database versions not stated): gnomAD 0.00001 and 0.00002; ExAC 0.00010.
gnomAD v4.1: 52 of 1,612,518 alleles (0.0032%); highest among the groups gnomAD compares: South Asian, 0.037%; no homozygotes.

Submissions (2):

Labcorp Genetics (formerly Invitae), Labcorp
Classification: Uncertain significance. Last evaluated: 2022-05-31. Review status: criteria provided, single submitter. Criteria: Invitae Variant Classification Sherloc (09022015). Collection method: clinical testing. Allele origin: germline.
Comment: This sequence change replaces threonine, which is neutral and polar, with methionine, which is neutral and non-polar, at codon 223 of the TUB protein (p.Thr223Met). This variant is present in population databases (rs776903038, gnomAD 0.04%). This variant has not been reported in the literature in individuals affected with TUB-related conditions. ClinVar contains an entry for this variant (Variation ID: 1486107). Algorithms developed to predict the effect of missense changes on protein structure and function are either unavailable or do not agree on the potential impact of this missense change (SIFT: "Deleterious"; PolyPhen-2: "Benign"; Align-GVGD: "Class C0"). In summary, the available evidence is currently insufficient to determine the role of this variant in disease. Therefore, it has been classified as a Variant of Uncertain Significance.

PreventionGenetics, part of Exact Sciences
Classification: Uncertain significance for TUB-related condition. Last evaluated: 2024-04-16. Review status: no assertion criteria provided. Collection method: clinical testing. Allele origin: germline. Not counted in ClinVar's aggregate classification.
Comment: The TUB c.668C>T variant is predicted to result in the amino acid substitution p.Thr223Met. This variant was reported de novo in an individual with autism (Zhou et al 2022. PubMed ID: 35982159, Supplementary Data 1). This variant is reported in 0.046% of alleles in individuals of South Asian descent in gnomAD. At this time, the clinical significance of this variant is uncertain due to the absence of conclusive functional and genetic evidence.